The following is an entry in ClinVar:

ClinVar aggregate classification (germline): Uncertain significance (1 of 4 stars; one submission).

Allele frequency attached by ClinVar (database versions not stated): gnomAD exomes 0.00001; gnomAD 0.00001; TOPMed below 0.00001; ExAC 0.00002.
gnomAD v4.1: 14 of 1,600,070 alleles (0.00087%); highest among the groups gnomAD compares: South Asian, 0.0067%; no homozygotes.

Submission:

Labcorp Genetics (formerly Invitae), Labcorp
Classification: Uncertain significance. Last evaluated: 2023-08-17. Review status: criteria provided, single submitter. Criteria: Invitae Variant Classification Sherloc (09022015). Collection method: clinical testing. Allele origin: germline.
Comment: This variant has not been reported in the literature in individuals affected with CHD8-related conditions. In summary, the available evidence is currently insufficient to determine the role of this variant in disease. Therefore, it has been classified as a Variant of Uncertain Significance. Variants that disrupt the consensus splice site are a relatively common cause of aberrant splicing (PMID: 17576681, 9536098). Algorithms developed to predict the effect of sequence changes on RNA splicing suggest that this variant is not likely to affect RNA splicing. ClinVar contains an entry for this variant (Variation ID: 2067283). The frequency data for this variant in the population databases is considered unreliable, as metrics indicate poor data quality at this position in the gnomAD database. This sequence change falls in intron 7 of the CHD8 gene. It does not directly change the encoded amino acid sequence of the CHD8 protein. It affects a nucleotide within the consensus splice site.

Literature cited by the submitters: PubMed 17576681; PubMed 9536098.

NM_001170629.2(CHD8):c.2024+4C>T

Gene: CHD8 (chromodomain helicase DNA binding protein 8; minus strand). Cytogenetic location: 14q11.2.
Variant type: single nucleotide variant.
Coding change: c.2024+4C>T on transcript NM_001170629.2 (MANE Select); 4 bases into the intron after coding-DNA position 2024, C replaced by T.
Molecular consequence: intron variant.
Genome position (GRCh38, 1-based): chr14:21,414,934, G>A on the plus strand (C>T on the coding strand, the complement: CHD8 is on the minus strand). VCF-style: chr14-21414934-G-A. GRCh37 (hg19) VCF-style: chr14-21883093-G-A.
Other names: c.1187+4C>T (NM_020920.4).
Identifiers: ClinVar variation 2067283 (VCV002067283.4), dbSNP rs761033932, ClinGen allele CA7091645.